The following is an entry in ClinVar:

NM_175875.5(SIX5):c.2140G>A (p.Val714Ile)

Gene: SIX5 (SIX homeobox 5; minus strand). Cytogenetic location: 19q13.32.
Variant type: single nucleotide variant.
Coding change: c.2140G>A on transcript NM_175875.5 (MANE Select); coding-DNA position 2140, G replaced by A.
Protein change: p.Val714Ile; replaces valine 714 with isoleucine.
Molecular consequence: missense variant.
Genome position (GRCh38, 1-based): chr19:45,765,581, C>T on the plus strand (G>A on the coding strand, the complement: SIX5 is on the minus strand). VCF-style: chr19-45765581-C-T. GRCh37 (hg19) VCF-style: chr19-46268839-C-T.
Other names: short protein forms V714I.
Identifiers: ClinVar variation 2015249 (VCV002015249.4), dbSNP rs2513597745, ClinGen allele CA406415574.

ClinVar aggregate classification (germline): Uncertain significance (1 of 4 stars; one submission).

Allele frequency attached by ClinVar (database versions not stated): gnomAD exomes below 0.00001.
gnomAD v4.1: 2 of 1,613,360 alleles (0.00012%); highest among the groups gnomAD compares: Non-Finnish European, 0.00017%; no homozygotes.

Submission:

Labcorp Genetics (formerly Invitae), Labcorp
Classification: Uncertain significance. Last evaluated: 2022-07-09. Review status: criteria provided, single submitter. Criteria: Invitae Variant Classification Sherloc (09022015). Collection method: clinical testing. Allele origin: germline.
Comment: Algorithms developed to predict the effect of missense changes on protein structure and function (SIFT, PolyPhen-2, Align-GVGD) all suggest that this variant is likely to be tolerated. This variant has not been reported in the literature in individuals affected with SIX5-related conditions. This variant is not present in population databases (gnomAD no frequency). This sequence change replaces valine, which is neutral and non-polar, with isoleucine, which is neutral and non-polar, at codon 714 of the SIX5 protein (p.Val714Ile). In summary, the available evidence is currently insufficient to determine the role of this variant in disease. Therefore, it has been classified as a Variant of Uncertain Significance.